The following is an entry in ClinVar:

NM_005618.4(DLL1):c.146C>T (p.Ala49Val)

Gene: DLL1 (delta like canonical Notch ligand 1; minus strand). Cytogenetic location: 6q27.
Variant type: single nucleotide variant.
Coding change: c.146C>T on transcript NM_005618.4 (MANE Select); coding-DNA position 146, C replaced by T.
Protein change: p.Ala49Val; replaces alanine 49 with valine.
Molecular consequence: missense variant.
Genome position (GRCh38, 1-based): chr6:170,289,717, G>A on the plus strand (C>T on the coding strand, the complement: DLL1 is on the minus strand). VCF-style: chr6-170289717-G-A. GRCh37 (hg19) VCF-style: chr6-170598805-G-A.
Other names: short protein forms A49V.
Identifiers: ClinVar variation 3902425 (VCV003902425.1).

ClinVar aggregate classification (germline): Uncertain significance (1 of 4 stars; one submission).

gnomAD v4.1: 6 of 1,549,318 alleles (0.00039%); highest among the groups gnomAD compares: Non-Finnish European, 0.00052%; no homozygotes.

Submission:

Women's Health and Genetics/Laboratory Corporation of America, LabCorp
Classification: Uncertain significance. Last evaluated: 2025-05-08. Review status: criteria provided, single submitter. Criteria: LabCorp Variant Classification Summary - May 2015. Collection method: clinical testing. Allele origin: germline.
Comment: Variant summary: DLL1 c.146C>T (p.Ala49Val) results in a non-conservative amino acid change in the encoded protein sequence. Algorithms developed to predict the effect of missense changes on protein structure and function all suggest that this variant is likely to be disruptive. The frequency data for this variant in gnomAD is considered unreliable, as metrics indicate poor data quality at this position. To our knowledge, no occurrence of c.146C>T in individuals affected with Neurodevelopmental Disorder With Nonspecific Brain Abnormalities And With Or Without Seizures and no experimental evidence demonstrating its impact on protein function have been reported. No submitters have cited clinical-significance assessments for this variant to ClinVar. Based on the evidence outlined above, the variant was classified as uncertain significance.